The following is an entry in ClinVar:

ClinVar aggregate classification (germline): Pathogenic (1 of 4 stars; one submission).

Conditions:
Charcot-Marie-Tooth disease axonal type 2P. Also called: CHARCOT-MARIE-TOOTH NEUROPATHY, TYPE 2P; Charcot-Marie-Tooth Neuropathy Type 2G; CHARCOT-MARIE-TOOTH DISEASE, AXONAL, TYPE 2G; CMT 2G. Identifiers: Orphanet 300319, Orphanet 99941, MedGen C3280797, MONDO:0013753, OMIM 614436.

Submission:

Labcorp Genetics (formerly Invitae), Labcorp
Classification: Pathogenic for Charcot-Marie-Tooth disease axonal type 2P. Last evaluated: 2023-01-18. Review status: criteria provided, single submitter. Criteria: Invitae Variant Classification Sherloc (09022015). Collection method: clinical testing. Allele origin: germline.
Comment: For these reasons, this variant has been classified as Pathogenic. Algorithms developed to predict the effect of sequence changes on RNA splicing suggest that this variant may disrupt the consensus splice site. This variant has not been reported in the literature in individuals affected with LRSAM1-related conditions. This variant is not present in population databases (gnomAD no frequency). This sequence change creates a premature translational stop signal (p.Glu537Valfs*6) in the LRSAM1 gene. It is expected to result in an absent or disrupted protein product. Loss-of-function variants in LRSAM1 are known to be pathogenic (PMID: 20865121, 33414056).

Literature cited by the submitters: PubMed 20865121; PubMed 33414056.

NM_001005373.4(LRSAM1):c.1606_1609dup (p.Glu537fs)

Gene: LRSAM1 (leucine rich repeat and sterile alpha motif containing 1; plus strand). Cytogenetic location: 9q33.3.
Variant type: Duplication.
Coding change: c.1606_1609dup on transcript NM_001005373.4 (MANE Select); coding-DNA positions 1606 to 1609, 4 bases duplicated (TTAG; older notation c.1606_1609dupTTAG).
Protein change: p.Glu537fs; shifts the reading frame from glutamic acid 537.
Molecular consequence: frameshift variant. On other transcripts: non-coding transcript variant (2), intron variant (1).
Genome position (GRCh38, 1-based): chr9:127,495,326-127,495,329, TTAG duplicated; duplicating any 4 consecutive bases within chr9:127,495,324-127,495,329 gives the same sequence; the c. name uses the placement nearest the transcript's 3' end. VCF-style (leftmost placement, unchanged base first): chr9-127495323-G-GAGTT. GRCh37 (hg19) VCF-style: chr9-130257602-G-GAGTT.
Other names: c.1606_1609dup, p.Glu537fs (NM_001005374.4, NM_001384142.1, NM_138361.5); c.1525_1528dup, p.Glu510fs (NM_001190723.3); c.817_820dup, p.Glu274fs (NM_001384144.1); c.1600-638_1600-635dup (NM_001384143.1); short protein forms E510fs, E274fs, E537fs.
Identifiers: ClinVar variation 2887131 (VCV002887131.3), dbSNP rs2539442673, ClinGen allele CA2691762238.
Genomic context (GRCh38, chr9:127,495,323, plus strand): 5'-TTATTACAGGTTTTATTACCATTTTGTGACTAACATTGCCTGCTTCATTCCTGGCAGACG[G>GAGTT]AGTTAGAAGCCAAAAGTGAAACCAGGCAGGAAAATTACTGGCTGATTCAGTATCAACGGC-3'